The following is an entry in ClinVar:

ClinVar aggregate classification (germline): Uncertain significance. Review status: criteria provided, multiple submitters, no conflicts (2 of 4 stars). 2 submissions from 2 submitters: Uncertain significance (2). Last evaluated 2025-11-18.

Conditions:
Usher syndrome type 3B. Also called: USHER SYNDROME, TYPE IIIB. Identifiers: MedGen C3281066, MONDO:0013788, OMIM 614504.

Allele frequency attached by ClinVar (database versions not stated): TOPMed 0.00002; ExAC 0.00005; gnomAD exomes 0.00006 and 0.00007; gnomAD 0.00007.
gnomAD v4.1: 43 of 1,610,654 alleles (0.0027%); highest among the groups gnomAD compares: Non-Finnish European, 0.00042%; no homozygotes.

Submissions (2):

Labcorp Genetics (formerly Invitae), Labcorp
Classification: Uncertain significance for Usher syndrome type 3B. Last evaluated: 2025-11-18. Review status: criteria provided, single submitter. Criteria: Invitae Variant Classification Sherloc (09022015). Collection method: clinical testing. Allele origin: germline.
Comment: This sequence change replaces glycine, which is neutral and non-polar, with arginine, which is basic and polar, at codon 219 of the HARS protein (p.Gly219Arg). This variant is present in population databases (rs769535360, gnomAD 0.07%). This variant has not been reported in the literature in individuals affected with HARS-related conditions. ClinVar contains an entry for this variant (Variation ID: 846536). Invitae Evidence Modeling of protein sequence and biophysical properties (such as structural, functional, and spatial information, amino acid conservation, physicochemical variation, residue mobility, and thermodynamic stability) indicates that this missense variant is expected to disrupt HARS protein function with a positive predictive value of 80%. In summary, the available evidence is currently insufficient to determine the role of this variant in disease. Therefore, it has been classified as a Variant of Uncertain Significance.

Blueprint Genetics
Classification: Uncertain significance. Last evaluated: 2023-10-10. Review status: criteria provided, single submitter. Criteria: ACMG Guidelines, 2015. Collection method: clinical testing. Allele origin: germline.

NM_002109.6(HARS1):c.655G>A (p.Gly219Arg)

Gene: HARS1 (histidyl-tRNA synthetase 1; minus strand). Cytogenetic location: 5q31.3.
Variant type: single nucleotide variant.
Coding change: c.655G>A on transcript NM_002109.6 (MANE Select); coding-DNA position 655, G replaced by A.
Protein change: p.Gly219Arg; replaces glycine 219 with arginine.
Molecular consequence: missense variant.
Genome position (GRCh38, 1-based): chr5:140,677,729, C>T on the plus strand (G>A on the coding strand, the complement: HARS1 is on the minus strand). VCF-style: chr5-140677729-C-T. GRCh37 (hg19) VCF-style: chr5-140057314-C-T.
Other names: c.535G>A, p.Gly179Arg (NM_001258040.3); c.595G>A, p.Gly199Arg (NM_001258041.3); c.475G>A, p.Gly159Arg (NM_001258042.3); c.433G>A, p.Gly145Arg (NM_001289092.2); c.313G>A, p.Gly105Arg (NM_001289093.2); c.568G>A, p.Gly190Arg (NM_001289094.2); short protein forms G159R, G179R, G219R, G105R, G145R, G190R, G199R.
Identifiers: ClinVar variation 846536 (VCV000846536.10), dbSNP rs769535360, ClinGen allele CA3444026.